The following is an entry in ClinVar:

ClinVar aggregate classification (germline): Likely benign. Review status: criteria provided, multiple submitters, no conflicts (2 of 4 stars). 2 submissions from 2 submitters: Likely benign (2). Last evaluated 2025-06-01.

gnomAD v4.1: 436 of 1,610,632 alleles (0.027%); highest among the groups gnomAD compares: Non-Finnish European, 0.033%; no homozygotes.

Submissions (2):

CeGaT Center for Human Genetics Tuebingen
Classification: Likely benign. Last evaluated: 2025-06-01. Review status: criteria provided, single submitter. Criteria: CeGaT Center For Human Genetics Tuebingen Variant Classification Criteria Version 2. Collection method: clinical testing. Allele origin: germline. Affected: yes. Observed: 1 variant allele.
Comment: GOLGA2: BP4, BP7

Blueprint Genetics
Classification: Likely benign. Last evaluated: 2024-10-31. Review status: criteria provided, single submitter. Criteria: ACMG Guidelines, 2015. Collection method: clinical testing. Allele origin: germline.

NM_001366244.2(GOLGA2):c.1293C>T (p.Ser431=)

Gene: GOLGA2 (golgin A2; minus strand). Cytogenetic location: 9q34.11.
Variant type: single nucleotide variant.
Coding change: c.1293C>T on transcript NM_001366244.2 (MANE Select); coding-DNA position 1293, C replaced by T.
Protein change: p.Ser431=; no amino-acid change (serine 431 retained).
Molecular consequence: synonymous variant.
Genome position (GRCh38, 1-based): chr9:128,261,493, G>A on the plus strand (C>T on the coding strand, the complement: GOLGA2 is on the minus strand). VCF-style: chr9-128261493-G-A. GRCh37 (hg19) VCF-style: chr9-131023772-G-A.
Other names: c.1212C>T, p.Ser404= (NM_001366246.2, NM_001389698.2, NM_004486.6); c.1278C>T, p.Ser426= (NM_001389695.2); c.1293C>T, p.Ser431= (NM_001389696.2); c.1200C>T, p.Ser400= (NM_001389697.2); c.1173C>T, p.Ser391= (NM_001389699.2, NM_001389700.2); c.1131C>T, p.Ser377= (NM_001389701.2); c.1107C>T, p.Ser369= (NM_001389702.2); c.1092C>T, p.Ser364= (NM_001389703.2); and 2 more.
Identifiers: ClinVar variation 4084285 (VCV004084285.9).